The following is an entry in ClinVar:

ClinVar aggregate classification (germline): Uncertain significance. Review status: criteria provided, multiple submitters, no conflicts (2 of 4 stars). 3 submissions from 3 submitters: Uncertain significance (3). Last evaluated 2025-11-18.

Conditions:
Cardiovascular phenotype. Identifiers: MedGen CN230736.
Arrhythmogenic right ventricular dysplasia 9 (ARVD9). Also called: Arrhythmogenic Right Ventricular Dysplasia/Cardiomyopathy 9; ARRHYTHMOGENIC RIGHT VENTRICULAR DYSPLASIA, FAMILIAL, 9. Identifiers: MedGen C1836906, MONDO:0012180, OMIM 609040.

Allele frequency attached by ClinVar (database versions not stated): TOPMed 0.00001.
gnomAD v4.1: 7 of 1,614,036 alleles (0.00043%); highest among the groups gnomAD compares: Non-Finnish European, 0.00042%; no homozygotes.

Submissions (3):

Ambry Genetics
Classification: Uncertain significance for Cardiovascular phenotype. Last evaluated: 2025-11-18. Review status: criteria provided, single submitter. Criteria: Ambry Variant Classification Scheme 2023. Collection method: clinical testing. Allele origin: germline.
Comment: The p.E675D variant (also known as c.2025G>T), located in coding exon 10 of the PKP2 gene, results from a G to T substitution at nucleotide position 2025. The glutamic acid at codon 675 is replaced by aspartic acid, an amino acid with highly similar properties. This amino acid position is highly conserved in available vertebrate species. In addition, the in silico prediction for this alteration is inconclusive. Since supporting evidence is limited at this time, the clinical significance of this alteration remains unclear.

Labcorp Genetics (formerly Invitae), Labcorp
Classification: Uncertain significance for Arrhythmogenic right ventricular dysplasia 9. Last evaluated: 2020-12-10. Review status: criteria provided, single submitter. Criteria: Invitae Variant Classification Sherloc (09022015). Collection method: clinical testing. Allele origin: germline.
Comment: This variant is not present in population databases (ExAC no frequency). This sequence change replaces glutamic acid with aspartic acid at codon 675 of the PKP2 protein (p.Glu675Asp). The glutamic acid residue is highly conserved and there is a small physicochemical difference between glutamic acid and aspartic acid. This variant has not been reported in the literature in individuals with PKP2-related conditions. ClinVar contains an entry for this variant (Variation ID: 519426). Algorithms developed to predict the effect of missense changes on protein structure and function (SIFT, PolyPhen-2, Align-GVGD) all suggest that this variant is likely to be disruptive, but these predictions have not been confirmed by published functional studies and their clinical significance is uncertain. In summary, the available evidence is currently insufficient to determine the role of this variant in disease. Therefore, it has been classified as a Variant of Uncertain Significance.

Blueprint Genetics
Classification: Uncertain significance. Last evaluated: 2018-06-18. Review status: criteria provided, single submitter. Criteria: ACMG Guidelines, 2015. Collection method: clinical testing. Allele origin: germline.

NM_001005242.3(PKP2):c.1893G>T (p.Glu631Asp)

Gene: PKP2 (plakophilin 2; minus strand). Cytogenetic location: 12p11.21.
Variant type: single nucleotide variant.
Coding change: c.1893G>T on transcript NM_001005242.3 (MANE Select); coding-DNA position 1893, G replaced by T.
Protein change: p.Glu631Asp; replaces glutamic acid 631 with aspartic acid.
Molecular consequence: missense variant.
Genome position (GRCh38, 1-based): chr12:32,821,476, C>A on the plus strand (G>T on the coding strand, the complement: PKP2 is on the minus strand). VCF-style: chr12-32821476-C-A. GRCh37 (hg19) VCF-style: chr12-32974410-C-A.
Other names: c.2025G>T, p.Glu675Asp (NM_004572.4); short protein forms E675D, E631D.
Identifiers: ClinVar variation 519426 (VCV000519426.13), dbSNP rs879110663, ClinGen allele CA235235071.